The following is an entry in ClinVar:

NM_002778.4(PSAP):c.1476T>C (p.Thr492=)

Gene: PSAP (prosaposin; minus strand). Cytogenetic location: 10q22.1.
Variant type: single nucleotide variant.
Coding change: c.1476T>C on transcript NM_002778.4 (MANE Select); coding-DNA position 1476, T replaced by C.
Protein change: p.Thr492=; no amino-acid change (threonine 492 retained).
Molecular consequence: synonymous variant.
Genome position (GRCh38, 1-based): chr10:71,818,680, A>G on the plus strand (T>C on the coding strand, the complement: PSAP is on the minus strand). VCF-style: chr10-71818680-A-G. GRCh37 (hg19) VCF-style: chr10-73578437-A-G.
Other names: c.1485T>C, p.Thr495= (NM_001042465.3); c.1482T>C, p.Thr494= (NM_001042466.3).
Identifiers: ClinVar variation 300507 (VCV000300507.17), dbSNP rs139178900, ClinGen allele CA5547327.

ClinVar aggregate classification (germline): Conflicting classifications of pathogenicity. Review status: criteria provided, conflicting classifications (1 of 4 stars). 6 submissions from 3 submitters: Uncertain significance (3); Benign (1); Likely benign (2). Last evaluated 2026-01-19.

Conditions:
Krabbe disease due to saposin A deficiency. Also called: KRABBE DISEASE, ATYPICAL, DUE TO SAPOSIN A DEFICIENCY; Saposin A Deficiency. Identifiers: Orphanet 487, MedGen C2673266, MONDO:0012720, OMIM 611722.
Combined PSAP deficiency (PSAPD). Also called: Encephalopathy due to prosaposin deficiency; COMBINED SAP DEFICIENCY; PROSAPOSIN DEFICIENCY. Identifiers: Orphanet 139406, MedGen C2673635, MONDO:0012719, OMIM 611721.
Gaucher disease due to saposin C deficiency. Also called: Saposin C Deficiency; Atypical Gaucher disease due to saposin C deficiency. Identifiers: Orphanet 309252, Orphanet 355, MedGen C1864651, MONDO:0012517, OMIM 610539.
Sphingolipid activator protein 1 deficiency. Also called: Saposin B Deficiency; METACHROMATIC LEUKODYSTROPHY DUE TO CEREBROSIDE SULFATASE ACTIVATOR DEFICIENCY; Metachromatic leukodystrophy due to saposin B deficiency. Identifiers: Orphanet 512, MedGen C0268262, MONDO:0009590, OMIM 249900.

Allele frequency attached by ClinVar (database versions not stated): TOPMed 0.00021; ESP Exome Variant Server 0.00031; 1000 Genomes Project 0.00040; 1000 Genomes Project 30x 0.00047; ExAC 0.00009; gnomAD exomes 0.00010; gnomAD 0.00018 and 0.00019.
gnomAD v4.1: 93 of 1,614,120 alleles (0.0058%); highest among the groups gnomAD compares: Middle Eastern, 0.066%; no homozygotes.

Submissions (6):

Labcorp Genetics (formerly Invitae), Labcorp
Classification: Likely benign for Sphingolipid activator protein 1 deficiency. Last evaluated: 2026-01-19. Review status: criteria provided, single submitter. Criteria: Invitae Variant Classification Sherloc (09022015). Collection method: clinical testing. Allele origin: germline.

Blueprint Genetics
Classification: Likely benign. Last evaluated: 2024-11-01. Review status: criteria provided, single submitter. Criteria: ACMG Guidelines, 2015. Collection method: clinical testing. Allele origin: germline.

Illumina Laboratory Services, Illumina
Classification: Uncertain significance for Combined PSAP deficiency. Last evaluated: 2018-01-13. Review status: criteria provided, single submitter. Criteria: ICSL Variant Classification Criteria 13 December 2019. Collection method: clinical testing. Allele origin: germline.

Illumina Laboratory Services, Illumina
Classification: Uncertain significance for Sphingolipid activator protein 1 deficiency. Last evaluated: 2018-01-13. Review status: criteria provided, single submitter. Criteria: ICSL Variant Classification Criteria 13 December 2019. Collection method: clinical testing. Allele origin: germline.

Illumina Laboratory Services, Illumina
Classification: Uncertain significance for Krabbe disease due to saposin A deficiency. Last evaluated: 2018-01-13. Review status: criteria provided, single submitter. Criteria: ICSL Variant Classification Criteria 13 December 2019. Collection method: clinical testing. Allele origin: germline.

Illumina Laboratory Services, Illumina
Classification: Benign for Gaucher disease due to saposin C deficiency. Last evaluated: 2018-01-13. Review status: criteria provided, single submitter. Criteria: ICSL Variant Classification Criteria 13 December 2019. Collection method: clinical testing. Allele origin: germline.
Comment: This variant was observed in the ICSL laboratory as part of a predisposition screen in an ostensibly healthy population. It had not been previously curated by ICSL or reported in the Human Gene Mutation Database (HGMD: prior to June 1st, 2018), and was therefore a candidate for classification through an automated scoring system. Utilizing variant allele frequency, disease prevalence and penetrance estimates, and inheritance mode, an automated score was calculated to assess if this variant is too frequent to cause the disease. Based on the score and internal cut-off values, a variant classified as benign is not then subjected to further curation. The score for this variant resulted in a classification of benign for this disease.